The following is an entry in ClinVar:

NM_031889.3(ENAM):c.2171C>T (p.Pro724Leu)

Gene: ENAM (enamelin; plus strand). Cytogenetic location: 4q13.3.
Variant type: single nucleotide variant.
Coding change: c.2171C>T on transcript NM_031889.3 (MANE Select); coding-DNA position 2171, C replaced by T.
Protein change: p.Pro724Leu; replaces proline 724 with leucine.
Molecular consequence: missense variant.
Genome position (GRCh38, 1-based): chr4:70,643,597, C>T. VCF-style: chr4-70643597-C-T. GRCh37 (hg19) VCF-style: chr4-71509314-C-T.
Other names: c.1517C>T, p.Pro506Leu (NM_001368133.1); short protein forms P506L, P724L.
Identifiers: ClinVar variation 906576 (VCV000906576.5), dbSNP rs3796703, ClinGen allele CA2952229.
Genomic context (GRCh38, chr4:70,643,597, plus strand): 5'-TAGATAATCCATCAAAACCAAGGGAGGATTTTTATTACAGTGAATTTTACCCATGGAGCC[C>T]GGATGAGAATTTTCCATCATATAATACAGCTTCTACTATGCCACCACCTATAGAGAGCAG-3'
Protein context (NP_114095.2, residues 714-734): FYYSEFYPWS[Pro724Leu]DENFPSYNTA

ClinVar aggregate classification (germline): Benign. Review status: criteria provided, multiple submitters, no conflicts (2 of 4 stars). 2 submissions from 2 submitters: Benign (2). Last evaluated 2018-01-13.

Conditions:
Amelogenesis imperfecta (AI). Also called: Congenital enamel hypoplasia. Identifiers: Orphanet 88661, MedGen C0002452, MONDO:0019507, HP:0000705.

Allele frequency attached by ClinVar (database versions not stated): ESP Exome Variant Server 0.01138; 1000 Genomes Project 30x 0.01156; TOPMed 0.01201; 1000 Genomes Project 0.01278; gnomAD 0.01388; ExAC 0.01583; gnomAD exomes 0.01588 and 0.01671.
gnomAD v4.1: 26,432 of 1,613,990 alleles (1.6%); highest among the groups gnomAD compares: East Asian, 6%; 287 homozygotes.

Submissions (2):

Illumina Laboratory Services, Illumina
Classification: Benign for Amelogenesis imperfecta. Last evaluated: 2018-01-13. Review status: criteria provided, single submitter. Criteria: ICSL Variant Classification Criteria 13 December 2019. Collection method: clinical testing. Allele origin: germline.
Comment: This variant was observed in the ICSL laboratory as part of a predisposition screen in an ostensibly healthy population. It had not been previously curated by ICSL or reported in the Human Gene Mutation Database (HGMD: prior to June 1st, 2018), and was therefore a candidate for classification through an automated scoring system. Utilizing variant allele frequency, disease prevalence and penetrance estimates, and inheritance mode, an automated score was calculated to assess if this variant is too frequent to cause the disease. Based on the score and internal cut-off values, a variant classified as benign is not then subjected to further curation. The score for this variant resulted in a classification of benign for this disease.

Breakthrough Genomics
Classification: Benign. Review status: criteria provided, single submitter. Criteria: ACMG Guidelines, 2015. Collection method: not provided. Allele origin: germline. Inheritance: Autosomal recessive inheritance. Affected: yes.